The following is an entry in ClinVar:

NM_001372.4(DNAH9):c.304T>G (p.Phe102Val)

Gene: DNAH9 (dynein axonemal heavy chain 9; plus strand). Cytogenetic location: 17p12.
Variant type: single nucleotide variant.
Coding change: c.304T>G on transcript NM_001372.4 (MANE Select); coding-DNA position 304, T replaced by G.
Protein change: p.Phe102Val; replaces phenylalanine 102 with valine.
Molecular consequence: missense variant.
Genome position (GRCh38, 1-based): chr17:11,598,802, T>G. VCF-style: chr17-11598802-T-G. GRCh37 (hg19) VCF-style: chr17-11502119-T-G.
Other names: c.304T>G (NM_001372.3); short protein forms F102V.
Identifiers: ClinVar variation 3623800 (VCV003623800.2).
Genomic context (GRCh38, chr17:11,598,802, plus strand): 5'-GCAATACGCCCCGGGCTGGAGGTGGGACCTGAGTCGGGCCTGGCTGGCGCTAAGGCGCTT[T>G]TTTTCCTTCGCACCGGGCCCGAGCCTCCAGGGCCCGACAGCTTCCGCGGCGCAGTGGTCT-3'
Protein context (NP_001363.2, residues 92-112): ESGLAGAKAL[Phe102Val]FLRTGPEPPG

ClinVar aggregate classification (germline): Uncertain significance. Review status: criteria provided, multiple submitters, no conflicts (2 of 4 stars). 2 submissions from 2 submitters: Uncertain significance (2). Last evaluated 2025-10-21.

Conditions:
Inborn genetic diseases. Identifiers: MedGen C0950123, MeSH D030342.

gnomAD v4.1: 2 of 1,480,664 alleles (0.00014%); highest among the groups gnomAD compares: African/African-American, 0.0029%; no homozygotes.

Submissions (2):

Ambry Genetics
Classification: Uncertain significance for Inborn genetic diseases. Last evaluated: 2025-10-21. Review status: criteria provided, single submitter. Criteria: Ambry Variant Classification Scheme 2023. Collection method: clinical testing. Allele origin: germline.

Labcorp Genetics (formerly Invitae), Labcorp
Classification: Uncertain significance. Last evaluated: 2024-11-21. Review status: criteria provided, single submitter. Criteria: Invitae Variant Classification Sherloc (09022015). Collection method: clinical testing. Allele origin: germline.
Comment: This sequence change replaces phenylalanine, which is neutral and non-polar, with valine, which is neutral and non-polar, at codon 102 of the DNAH9 protein (p.Phe102Val). This variant is not present in population databases (gnomAD no frequency). This variant has not been reported in the literature in individuals affected with DNAH9-related conditions. An algorithm developed to predict the effect of missense changes on protein structure and function (PolyPhen-2) suggests that this variant¬†is likely to be tolerated. In summary, the available evidence is currently insufficient to determine the role of this variant in disease. Therefore, it has been classified as a Variant of Uncertain Significance.